The following is an entry in ClinVar:

ClinVar aggregate classification (germline): Uncertain significance. Review status: criteria provided, multiple submitters, no conflicts (2 of 4 stars). 3 submissions from 3 submitters: Uncertain significance (3). Last evaluated 2025-04-21.

Conditions:
Inborn genetic diseases. Identifiers: MedGen C0950123, MeSH D030342.
Hereditary orotic aciduria, type 1. Also called: Orotic aciduria type 1; Oroticaciduria 1. Identifiers: MedGen C0268130.
Oroticaciduria. Also called: Orotic aciduria. Identifiers: Orphanet 30, MedGen C0268128, HP:0003218.

Allele frequency attached by ClinVar (database versions not stated): gnomAD exomes 0.00004 and 0.00008; gnomAD 0.00008 and 0.00010; TOPMed 0.00009; ExAC 0.00011.
gnomAD v4.1: 84 of 1,607,258 alleles (0.0052%); highest among the groups gnomAD compares: African/African-American, 0.024%; no homozygotes.

Submissions (3):

Labcorp Genetics (formerly Invitae), Labcorp
Classification: Uncertain significance for Hereditary orotic aciduria, type 1. Last evaluated: 2025-04-21. Review status: criteria provided, single submitter. Criteria: Invitae Variant Classification Sherloc (09022015). Collection method: clinical testing. Allele origin: germline.
Comment: This sequence change replaces alanine, which is neutral and non-polar, with valine, which is neutral and non-polar, at codon 386 of the UMPS protein (p.Ala386Val). This variant is present in population databases (rs202158549, gnomAD 0.04%). This variant has not been reported in the literature in individuals affected with UMPS-related conditions. ClinVar contains an entry for this variant (Variation ID: 342933). An algorithm developed to predict the effect of missense changes on protein structure and function outputs the following: PolyPhen-2: "Benign". The valine amino acid residue is found in multiple mammalian species, which suggests that this missense change does not adversely affect protein function. In summary, the available evidence is currently insufficient to determine the role of this variant in disease. Therefore, it has been classified as a Variant of Uncertain Significance.

Ambry Genetics
Classification: Uncertain significance for Inborn genetic diseases. Last evaluated: 2022-01-26. Review status: criteria provided, single submitter. Criteria: Ambry Variant Classification Scheme 2023. Collection method: clinical testing. Allele origin: germline.

Illumina Laboratory Services, Illumina
Classification: Uncertain significance for Hereditary orotic aciduria. Last evaluated: 2018-01-13. Review status: criteria provided, single submitter. Criteria: ICSL Variant Classification Criteria 13 December 2019. Collection method: clinical testing. Allele origin: germline.

NM_000373.4(UMPS):c.1157C>T (p.Ala386Val)

Gene: UMPS (uridine monophosphate synthetase; plus strand). Cytogenetic location: 3q21.2.
Variant type: single nucleotide variant.
Coding change: c.1157C>T on transcript NM_000373.4 (MANE Select); coding-DNA position 1157, C replaced by T.
Protein change: p.Ala386Val; replaces alanine 386 with valine.
Molecular consequence: missense variant. On other transcripts: non-coding transcript variant (2).
Genome position (GRCh38, 1-based): chr3:124,740,198, C>T. VCF-style: chr3-124740198-C-T. GRCh37 (hg19) VCF-style: chr3-124459045-C-T.
Other names: short protein forms A386V.
Identifiers: ClinVar variation 342933 (VCV000342933.15), dbSNP rs202158549, ClinGen allele CA2581810.
Genomic context (GRCh38, chr3:124,740,198, plus strand): 5'-TCCTTATTGCGGAAATGAGCTCCACCGGCTCCCTGGCCACTGGGGACTACACTAGAGCAG[C>T]GGTAAGTGGTGGGGGGACTGGGTGAGAGGGGGCAGGGGCTGCTATGCTGCATGCTGCAAG-3'
Protein context (NP_000364.1, residues 376-396): SLATGDYTRA[Ala386Val]VRMAEEHSEF